The following is an entry in ClinVar:

ClinVar aggregate classification (germline): Likely benign. Review status: criteria provided, multiple submitters, no conflicts (2 of 4 stars). 4 submissions from 4 submitters: Likely benign (4). Last evaluated 2025-11-19.

Conditions:
Ehlers-Danlos syndrome, musculocontractural type 2 (EDSMC2). Identifiers: Orphanet 2953, MedGen C3809845, MONDO:0014236, OMIM 615539.

Allele frequency attached by ClinVar (database versions not stated): gnomAD 0.00001; ExAC 0.00002; gnomAD exomes 0.00002.
gnomAD v4.1: 35 of 1,614,050 alleles (0.0022%); highest among the groups gnomAD compares: Non-Finnish European, 0.003%; no homozygotes.

Submissions (4):

Women's Health and Genetics/Laboratory Corporation of America, LabCorp
Classification: Likely benign. Last evaluated: 2025-11-19. Review status: criteria provided, single submitter. Criteria: LabCorp Variant Classification Summary - May 2015. Collection method: clinical testing. Allele origin: germline.

Labcorp Genetics (formerly Invitae), Labcorp
Classification: Likely benign for Ehlers-Danlos syndrome, musculocontractural type 2. Last evaluated: 2025-09-04. Review status: criteria provided, single submitter. Criteria: Invitae Variant Classification Sherloc (09022015). Collection method: clinical testing. Allele origin: germline.

CeGaT Center for Human Genetics Tuebingen
Classification: Likely benign. Last evaluated: 2024-06-01. Review status: criteria provided, single submitter. Criteria: CeGaT Center For Human Genetics Tuebingen Variant Classification Criteria Version 2. Collection method: clinical testing. Allele origin: germline. Affected: yes. Observed: 1 variant allele.
Comment: DSE: BP4, BP7

GeneDx
Classification: Likely benign. Last evaluated: 2021-03-17. Review status: criteria provided, single submitter. Criteria: GeneDx Variant Classification Process June 2021. Collection method: clinical testing. Allele origin: germline. Affected: yes.

NM_013352.4(DSE):c.1437C>T (p.Phe479=)

Gene: DSE (dermatan sulfate epimerase; plus strand). Cytogenetic location: 6q22.1.
Variant type: single nucleotide variant.
Coding change: c.1437C>T on transcript NM_013352.4 (MANE Select); coding-DNA position 1437, C replaced by T.
Protein change: p.Phe479=; no amino-acid change (phenylalanine 479 retained).
Molecular consequence: synonymous variant. On other transcripts: 3 prime UTR variant (2), non-coding transcript variant (1).
Genome position (GRCh38, 1-based): chr6:116,435,905, C>T. VCF-style: chr6-116435905-C-T. GRCh37 (hg19) VCF-style: chr6-116757068-C-T.
Other names: c.1437C>T, p.Phe479= (NM_001080976.3, NM_001322937.2, NM_001322938.2); c.1494C>T, p.Phe498= (NM_001322939.2); c.876C>T, p.Phe292= (NM_001322940.2, NM_001322941.2); c.*302C>T (NM_001322943.2, NM_001322944.2); c.438C>T, p.Phe146= (NM_001374520.1); c.402C>T, p.Phe134= (NM_001374521.1).
Identifiers: ClinVar variation 1204713 (VCV001204713.29), dbSNP rs757356537, ClinGen allele CA3969667.